The following is an entry in ClinVar:

ClinVar aggregate classification (germline): Conflicting classifications of pathogenicity. Review status: criteria provided, conflicting classifications (1 of 4 stars). 2 submissions from 2 submitters: Uncertain significance (1); Likely benign (1). Last evaluated 2026-04-13.

Conditions:
Hereditary cancer-predisposing syndrome. Also called: Hereditary neoplastic syndrome; Neoplastic Syndromes, Hereditary; Hereditary Cancer Syndrome; Tumor predisposition. Identifiers: Orphanet 140162, MedGen C0027672, MeSH D009386, MONDO:0015356.
Gastrointestinal stromal tumor. Also called: Gastrointestinal stroma tumor; Gastrointestinal stromal tumor, somatic. Identifiers: Orphanet 44890, MedGen C0238198, MeSH D046152, MONDO:0011719, OMIM 606764, HP:0100723.

Submissions (2):

Ambry Genetics
Classification: Likely benign for Hereditary cancer-predisposing syndrome. Last evaluated: 2026-04-13. Review status: criteria provided, single submitter. Criteria: Ambry Variant Classification Scheme 2023. Collection method: clinical testing. Allele origin: germline.

Labcorp Genetics (formerly Invitae), Labcorp
Classification: Uncertain significance for Gastrointestinal stromal tumor. Last evaluated: 2021-12-16. Review status: criteria provided, single submitter. Criteria: Invitae Variant Classification Sherloc (09022015). Collection method: clinical testing. Allele origin: germline.
Comment: In summary, the available evidence is currently insufficient to determine the role of this variant in disease. Therefore, it has been classified as a Variant of Uncertain Significance. Algorithms developed to predict the effect of missense changes on protein structure and function (SIFT, PolyPhen-2, Align-GVGD) all suggest that this variant is likely to be tolerated. This variant has not been reported in the literature in individuals affected with KIT-related conditions. This variant is not present in population databases (gnomAD no frequency). This sequence change replaces threonine, which is neutral and polar, with isoleucine, which is neutral and non-polar, at codon 417 of the KIT protein (p.Thr417Ile).

NM_000222.3(KIT):c.1250C>T (p.Thr417Ile)

Gene: KIT (KIT proto-oncogene, receptor tyrosine kinase; plus strand). Cytogenetic location: 4q12.
Variant type: single nucleotide variant.
Coding change: c.1250C>T on transcript NM_000222.3 (MANE Select); coding-DNA position 1250, C replaced by T.
Protein change: p.Thr417Ile; replaces threonine 417 with isoleucine.
Molecular consequence: missense variant.
Genome position (GRCh38, 1-based): chr4:54,723,602, C>T. VCF-style: chr4-54723602-C-T. GRCh37 (hg19) VCF-style: chr4-55589768-C-T.
Other names: c.1250C>T, p.Thr417Ile (NM_001093772.2, NM_001385285.1, NM_001385286.1); c.1253C>T, p.Thr418Ile (NM_001385284.1, NM_001385288.1, NM_001385290.1 and 1 more transcripts); short protein forms T418I, T417I.
Identifiers: ClinVar variation 2044528 (VCV002044528.5), dbSNP rs1373777028, ClinGen allele CA356905388.